The following is an entry in ClinVar:

ClinVar aggregate classification (germline): Uncertain significance. Review status: criteria provided, multiple submitters, no conflicts (2 of 4 stars). 2 submissions from 2 submitters: Uncertain significance (2). Last evaluated 2025-02-02.

Conditions:
Charcot-Marie-Tooth disease type 4. Also called: Charcot-Marie-Tooth disease, type IV; Charcot-Marie-Tooth, Type 4. Identifiers: Orphanet 64749, MedGen C4082197, MONDO:0018995.

Allele frequency attached by ClinVar (database versions not stated): ExAC 0.00002; gnomAD exomes 0.00002 and 0.00003; TOPMed 0.00004; gnomAD 0.00005; ESP Exome Variant Server 0.00008.
gnomAD v4.1: 56 of 1,613,758 alleles (0.0035%); highest among the groups gnomAD compares: Non-Finnish European, 0.0047%; no homozygotes.

Submissions (2):

Labcorp Genetics (formerly Invitae), Labcorp
Classification: Uncertain significance for Charcot-Marie-Tooth disease type 4. Last evaluated: 2025-02-02. Review status: criteria provided, single submitter. Criteria: Invitae Variant Classification Sherloc (09022015). Collection method: clinical testing. Allele origin: germline.
Comment: This sequence change replaces aspartic acid, which is acidic and polar, with valine, which is neutral and non-polar, at codon 985 of the SBF2 protein (p.Asp985Val). This variant is present in population databases (rs143883319, gnomAD 0.005%). This variant has not been reported in the literature in individuals affected with SBF2-related conditions. ClinVar contains an entry for this variant (Variation ID: 1335062). Invitae Evidence Modeling of protein sequence and biophysical properties (such as structural, functional, and spatial information, amino acid conservation, physicochemical variation, residue mobility, and thermodynamic stability) indicates that this missense variant is expected to disrupt SBF2 protein function with a positive predictive value of 80%. In summary, the available evidence is currently insufficient to determine the role of this variant in disease. Therefore, it has been classified as a Variant of Uncertain Significance.

CeGaT Center for Human Genetics Tuebingen
Classification: Uncertain significance. Last evaluated: 2021-11-01. Review status: criteria provided, single submitter. Criteria: CeGaT Center For Human Genetics Tuebingen Variant Classification Criteria Version 2. Collection method: clinical testing. Allele origin: germline. Affected: yes. Observed: 1 variant allele.

NM_030962.4(SBF2):c.2954A>T (p.Asp985Val)

Genes: SBF2 (SET binding factor 2; minus strand), LOC101928008 (uncharacterized LOC101928008; plus strand). Cytogenetic location: 11p15.4.
Variant type: single nucleotide variant.
Coding change: c.2954A>T on transcript NM_030962.4 (MANE Select); coding-DNA position 2954, A replaced by T.
Protein change: p.Asp985Val; replaces aspartic acid 985 with valine.
Molecular consequence: missense variant.
Genome position (GRCh38, 1-based): chr11:9,845,721, T>A on the plus strand (A>T on the coding strand, the complement: SBF2 is on the minus strand). VCF-style: chr11-9845721-T-A. GRCh37 (hg19) VCF-style: chr11-9867268-T-A.
Other names: c.2954A>T, p.Asp985Val (NM_001386339.1); c.2825A>T, p.Asp942Val (NM_001386342.1); short protein forms D942V, D985V.
Identifiers: ClinVar variation 1335062 (VCV001335062.39), dbSNP rs143883319, ClinGen allele CA5881400.